The following is an entry in ClinVar:

ClinVar aggregate classification (germline): Pathogenic/Likely pathogenic. Review status: criteria provided, multiple submitters, no conflicts (2 of 4 stars). 2 submissions from 2 submitters: Pathogenic (1); Likely pathogenic (1). Last evaluated 2024-06-17.

Conditions:
GLUT1 deficiency syndrome 1, autosomal recessive. Identifiers: MedGen C3149117.

Submissions (2):

Labcorp Genetics (formerly Invitae), Labcorp
Classification: Pathogenic for GLUT1 deficiency syndrome 1, autosomal recessive. Last evaluated: 2024-06-17. Review status: criteria provided, single submitter. Criteria: Invitae Variant Classification Sherloc (09022015). Collection method: clinical testing. Allele origin: germline.
Comment: This sequence change replaces proline, which is neutral and non-polar, with serine, which is neutral and polar, at codon 211 of the SLC2A1 protein (p.Pro211Ser). This variant is not present in population databases (gnomAD no frequency). This missense change has been observed in individual(s) with clinical features of GLUT1-deficiency syndrome (PMID: 29655203; Invitae). In at least one individual the variant was observed to be de novo. ClinVar contains an entry for this variant (Variation ID: 207192). Advanced modeling of protein sequence and biophysical properties (such as structural, functional, and spatial information, amino acid conservation, physicochemical variation, residue mobility, and thermodynamic stability) performed at Invitae indicates that this missense variant is expected to disrupt SLC2A1 protein function with a positive predictive value of 95%. For these reasons, this variant has been classified as Pathogenic.

GeneDx
Classification: Likely pathogenic. Last evaluated: 2013-07-10. Review status: criteria provided, single submitter. Criteria: GeneDx Variant Classification (06012015). Collection method: clinical testing. Allele origin: germline. Affected: yes.
Comment: p.Pro211Ser (CCC>TCC): c.631 C>T in the SLC2A1 gene (NM_006516.2). The P211S missense change has not been published as a mutation, nor has it been reported as a benign polymorphism to our knowledge. It was not observed in approximately 6,500 individuals of European and African American ancestry in the NHLBI Exome Sequencing Project, indicating it is not a common benign variant in these populations. P211S is a non-conservative amino acid substitution, which is likely to impact secondary protein structure as these residues differ in polarity, charge, size, and/or other properties. The variant occurs at a highly conserved position in in the cytoplasmic loop between the sixth and seventh transmembrane segments of the SLC2A1 protein. Multiple published missense mutations have been reported in this same region of the protein, supporting the functional importance of this region of the protein. Additionally, multiple in silico algorithms predict that P211S may be damaging to protein structure/function. However, the possibility that it is a benign variant cannot be completely excluded. The variant is found in CHILD-EPI panel(s).

Literature cited by the submitters: PubMed 29655203 (cited by Labcorp Genetics (formerly Invitae), Labcorp).

NM_006516.4(SLC2A1):c.631C>T (p.Pro211Ser)

Gene: SLC2A1 (solute carrier family 2 member 1; minus strand). Cytogenetic location: 1p34.2.
Variant type: single nucleotide variant.
Coding change: c.631C>T on transcript NM_006516.4 (MANE Select); coding-DNA position 631, C replaced by T.
Protein change: p.Pro211Ser; replaces proline 211 with serine.
Molecular consequence: missense variant.
Genome position (GRCh38, 1-based): chr1:42,929,921, G>A on the plus strand (C>T on the coding strand, the complement: SLC2A1 is on the minus strand). VCF-style: chr1-42929921-G-A. GRCh37 (hg19) VCF-style: chr1-43395592-G-A.
Other names: p.P211S:CCC>TCC; short protein forms P211S.
Identifiers: ClinVar variation 207192 (VCV000207192.11), dbSNP rs796053247, ClinGen allele CA318431.
Genomic context (GRCh38, chr1:42,929,921, plus strand): 5'-CCATGCCCGTACCACTCTTGGCCCGGTTCTCCTCGTTGCGGTTGATGAGCAGGAAGCGGG[G>A]ACTCTCGGGGCAGAAGGGCAGCACGATGCACTGCAGCAGGGCCGGGATGAAGATGATGCT-3'
Protein context (NP_006507.2, residues 201-221): CIVLPFCPES[Pro211Ser]RFLLINRNEE